The following is an entry in ClinVar:

NM_001077653.2(TBX20):c.1009G>A (p.Ala337Thr)

Gene: TBX20 (T-box transcription factor 20; minus strand). Cytogenetic location: 7p14.2.
Variant type: single nucleotide variant.
Coding change: c.1009G>A on transcript NM_001077653.2 (MANE Select); coding-DNA position 1009, G replaced by A.
Protein change: p.Ala337Thr; replaces alanine 337 with threonine.
Molecular consequence: missense variant.
Genome position (GRCh38, 1-based): chr7:35,202,765, C>T on the plus strand (G>A on the coding strand, the complement: TBX20 is on the minus strand). VCF-style: chr7-35202765-C-T. GRCh37 (hg19) VCF-style: chr7-35242377-C-T.
Other names: short protein forms A337T.
Identifiers: ClinVar variation 1482933 (VCV001482933.8), dbSNP rs924846567, ClinGen allele CA156917373.

ClinVar aggregate classification (germline): Uncertain significance. Review status: criteria provided, multiple submitters, no conflicts (2 of 4 stars). 2 submissions from 2 submitters: Uncertain significance (2). Last evaluated 2023-06-01.

Conditions:
Cardiovascular phenotype. Identifiers: MedGen CN230736.

Allele frequency attached by ClinVar (database versions not stated): gnomAD 0.00001; TOPMed 0.00001.

Submissions (2):

Ambry Genetics
Classification: Uncertain significance for Cardiovascular phenotype. Last evaluated: 2023-06-01. Review status: criteria provided, single submitter. Criteria: Ambry Variant Classification Scheme 2023. Collection method: clinical testing. Allele origin: germline.
Comment: The p.A337T variant (also known as c.1009G>A), located in coding exon 8 of the TBX20 gene, results from a G to A substitution at nucleotide position 1009. The alanine at codon 337 is replaced by threonine, an amino acid with similar properties. This amino acid position is highly conserved in available vertebrate species. In addition, the in silico prediction for this alteration is inconclusive. Since supporting evidence is limited at this time, the clinical significance of this alteration remains unclear.

Labcorp Genetics (formerly Invitae), Labcorp
Classification: Uncertain significance. Last evaluated: 2022-11-08. Review status: criteria provided, single submitter. Criteria: Invitae Variant Classification Sherloc (09022015). Collection method: clinical testing. Allele origin: germline.
Comment: In summary, the available evidence is currently insufficient to determine the role of this variant in disease. Therefore, it has been classified as a Variant of Uncertain Significance. Advanced modeling of protein sequence and biophysical properties (such as structural, functional, and spatial information, amino acid conservation, physicochemical variation, residue mobility, and thermodynamic stability) performed at Invitae indicates that this missense variant is not expected to disrupt TBX20 protein function. ClinVar contains an entry for this variant (Variation ID: 1482933). This variant has not been reported in the literature in individuals affected with TBX20-related conditions. This variant is present in population databases (no rsID available, gnomAD 0.002%). This sequence change replaces alanine, which is neutral and non-polar, with threonine, which is neutral and polar, at codon 337 of the TBX20 protein (p.Ala337Thr).